The following is an entry in ClinVar:

ClinVar aggregate classification (germline): Likely benign (1 of 4 stars; one submission).

Allele frequency attached by ClinVar (database versions not stated): gnomAD exomes 0.00779; 1000 Genomes Project 30x 0.00187; gnomAD 0.00489; TOPMed 0.00499; 1000 Genomes Project 0.00200; ExAC 0.00497; ESP Exome Variant Server 0.00593.
gnomAD v4.1: 12,028 of 1,597,238 alleles (0.75%); highest among the groups gnomAD compares: Non-Finnish European, 0.88%; 63 homozygotes.

Submission:

CeGaT Center for Human Genetics Tuebingen
Classification: Likely benign. Last evaluated: 2023-01-01. Review status: criteria provided, single submitter. Criteria: CeGaT Center For Human Genetics Tuebingen Variant Classification Criteria Version 2. Collection method: clinical testing. Allele origin: germline. Affected: yes. Observed: 1 variant allele.
Comment: RPS6KA2: BP4, BP7, BS2

NM_001006932.3(RPS6KA2):c.123+87310C>T

Genes: RPS6KA2 (ribosomal protein S6 kinase A2; minus strand), LOC126859894 (BRD4-independent group 4 enhancer GRCh37_chr6:167184261-167185460; plus strand). Cytogenetic location: 6q27.
Variant type: single nucleotide variant.
Coding change: c.123+87310C>T on transcript NM_001006932.3; 87310 bases into the intron after coding-DNA position 123, C replaced by T.
Molecular consequence: intron variant. On other transcripts: synonymous variant (1).
Genome position (GRCh38, 1-based): chr6:166,770,890, G>A on the plus strand (C>T on the coding strand, the complement: RPS6KA2 is on the minus strand). VCF-style: chr6-166770890-G-A. GRCh37 (hg19) VCF-style: chr6-167184378-G-A.
Other names: c.147C>T, p.Cys49= (NM_001318936.2); c.37+91218C>T (NM_001318937.2).
Identifiers: ClinVar variation 2657126 (VCV002657126.22), dbSNP rs138600299, ClinGen allele CA4094702.